The following is an entry in ClinVar:

ClinVar aggregate classification (germline): Benign. Review status: criteria provided, multiple submitters, no conflicts (2 of 4 stars). 3 submissions from 3 submitters: Benign (3). Last evaluated 2026-01-25.

Conditions:
Congenital secretory diarrhea, chloride type (DIAR1). Also called: DIARRHEA 1, SECRETORY CHLORIDE, CONGENITAL; CHLORIDORRHEA, CONGENITAL; CHLORIDE DIARRHEA, CONGENITAL, FINNISH TYPE. Identifiers: Orphanet 53689, MedGen C0267662, MONDO:0008964, OMIM 214700.

Allele frequency attached by ClinVar (database versions not stated): gnomAD exomes 0.00037; gnomAD 0.00264; 1000 Genomes Project 30x 0.00281; 1000 Genomes Project 0.00300; ESP Exome Variant Server 0.00308; TOPMed 0.00336.
gnomAD v4.1: 1,031 of 1,613,568 alleles (0.064%); highest among the groups gnomAD compares: African/African-American, 1%; 6 homozygotes.

Submissions (3):

Labcorp Genetics (formerly Invitae), Labcorp
Classification: Benign. Last evaluated: 2026-01-25. Review status: criteria provided, single submitter. Criteria: Invitae Variant Classification Sherloc (09022015). Collection method: clinical testing. Allele origin: germline.

Illumina Laboratory Services, Illumina
Classification: Benign for Congenital secretory diarrhea, chloride type. Last evaluated: 2018-01-12. Review status: criteria provided, single submitter. Criteria: ICSL Variant Classification Criteria 13 December 2019. Collection method: clinical testing. Allele origin: germline.
Comment: This variant was observed in the ICSL laboratory as part of a predisposition screen in an ostensibly healthy population. It had not been previously curated by ICSL or reported in the Human Gene Mutation Database (HGMD: prior to June 1st, 2018), and was therefore a candidate for classification through an automated scoring system. Utilizing variant allele frequency, disease prevalence and penetrance estimates, and inheritance mode, an automated score was calculated to assess if this variant is too frequent to cause the disease. Based on the score and internal cut-off values, a variant classified as benign is not then subjected to further curation. The score for this variant resulted in a classification of benign for this disease.

Breakthrough Genomics
Classification: Benign. Review status: criteria provided, single submitter. Criteria: ACMG Guidelines, 2015. Collection method: not provided. Allele origin: germline. Inheritance: Autosomal recessive inheritance. Affected: yes.

NM_000111.3(SLC26A3):c.2092G>C (p.Glu698Gln)

Gene: SLC26A3 (solute carrier family 26 member 3; minus strand). Cytogenetic location: 7q22.3.
Variant type: single nucleotide variant.
Coding change: c.2092G>C on transcript NM_000111.3 (MANE Select); coding-DNA position 2092, G replaced by C.
Protein change: p.Glu698Gln; replaces glutamic acid 698 with glutamine.
Molecular consequence: missense variant.
Genome position (GRCh38, 1-based): chr7:107,767,879, C>G on the plus strand (G>C on the coding strand, the complement: SLC26A3 is on the minus strand). VCF-style: chr7-107767879-C-G. GRCh37 (hg19) VCF-style: chr7-107408324-C-G.
Other names: short protein forms E698Q.
Identifiers: ClinVar variation 358537 (VCV000358537.16), dbSNP rs138002384, ClinGen allele CA4433577.
Genomic context (GRCh38, chr7:107,767,879, plus strand): 5'-AAACAGCATCATGGATTGTTAAGAAAAATATTGAGCTTTTCACTTCACCATCAAAAAATT[C>G]ATACCGGTTAAGCTTCTCAATGAAGTCATCTGAAGAGAAAAAAACAGTAACTTTTAGGAA-3'
Protein context (NP_000102.1, residues 688-708): DDFIEKLNRY[Glu698Gln]FFDGEVKSSI